The following is an entry in ClinVar:

ClinVar aggregate classification (germline): Uncertain significance (1 of 4 stars; one submission).

Submission:

Labcorp Genetics (formerly Invitae), Labcorp
Classification: Uncertain significance. Last evaluated: 2025-10-19. Review status: criteria provided, single submitter. Criteria: Invitae Variant Classification Sherloc (09022015). Collection method: clinical testing. Allele origin: germline.
Comment: This sequence change falls in intron 3 of the PDE6C gene. It does not directly change the encoded amino acid sequence of the PDE6C protein. It affects a nucleotide within the consensus splice site. This variant is not present in population databases (gnomAD no frequency). This variant has not been reported in the literature in individuals affected with PDE6C-related conditions. Variants that disrupt the consensus splice site are a relatively common cause of aberrant splicing (PMID: 17576681, 9536098). Algorithms developed to predict the effect of sequence changes on RNA splicing suggest that this variant may disrupt the consensus splice site. In summary, the available evidence is currently insufficient to determine the role of this variant in disease. Therefore, it has been classified as a Variant of Uncertain Significance.

Literature cited by the submitters: PubMed 17576681; PubMed 9536098.

NM_006204.4(PDE6C):c.723+4A>G

Gene: PDE6C (phosphodiesterase 6C; plus strand). Cytogenetic location: 10q23.33.
Variant type: single nucleotide variant.
Coding change: c.723+4A>G on transcript NM_006204.4 (MANE Select); 4 bases into the intron after coding-DNA position 723, A replaced by G.
Molecular consequence: intron variant.
Genome position (GRCh38, 1-based): chr10:93,620,984, A>G. VCF-style: chr10-93620984-A-G. GRCh37 (hg19) VCF-style: chr10-95380741-A-G.
Identifiers: ClinVar variation 4729513 (VCV004729513.1).
Genomic context (GRCh38, chr10:93,620,984, plus strand): 5'-ATCCTAAGGCTTCATCACACCAGCTACATGTACAATATTGAATCCCGAAGAAGCCAGGTA[A>G]AAGGAAGGCAGCATTAGTCATTCCATGCTGACCTATTCTGACAAAGCCGCCCAGAGACAA-3'